The following is an entry in ClinVar:

NM_017636.4(TRPM4):c.14A>C (p.Glu5Ala)

Gene: TRPM4 (transient receptor potential cation channel subfamily M member 4; plus strand). Cytogenetic location: 19q13.33.
Variant type: single nucleotide variant.
Coding change: c.14A>C on transcript NM_017636.4 (MANE Select); coding-DNA position 14, A replaced by C.
Protein change: p.Glu5Ala; replaces glutamic acid 5 with alanine.
Molecular consequence: missense variant. On other transcripts: 5 prime UTR variant (3).
Genome position (GRCh38, 1-based): chr19:49,157,880, A>C. VCF-style: chr19-49157880-A-C. GRCh37 (hg19) VCF-style: chr19-49661137-A-C.
Other names: c.14A>C, p.Glu5Ala (NM_001195227.2, NM_001321281.2); c.-1359A>C (NM_001321282.2); c.-153A>C (NM_001321283.2); c.-316A>C (NM_001321285.2); short protein forms E5A.
Identifiers: ClinVar variation 2851222 (VCV002851222.3), dbSNP rs2041542552, ClinGen allele CA406787673.

ClinVar aggregate classification (germline): Uncertain significance (1 of 4 stars; one submission).

Conditions:
Progressive familial heart block type IB (PFHB1B). Identifiers: Orphanet 871, MedGen C1970298, MONDO:0011474, OMIM 604559.

Allele frequency attached by ClinVar (database versions not stated): gnomAD exomes below 0.00001.
gnomAD v4.1: 2 of 1,534,860 alleles (0.00013%); highest among the groups gnomAD compares: Non-Finnish European, 0.000087%; no homozygotes.

Submission:

Labcorp Genetics (formerly Invitae), Labcorp
Classification: Uncertain significance for Progressive familial heart block type IB. Last evaluated: 2024-12-30. Review status: criteria provided, single submitter. Criteria: Invitae Variant Classification Sherloc (09022015). Collection method: clinical testing. Allele origin: germline.
Comment: This sequence change replaces glutamic acid, which is acidic and polar, with alanine, which is neutral and non-polar, at codon 5 of the TRPM4 protein (p.Glu5Ala). This variant is not present in population databases (gnomAD no frequency). This variant has not been reported in the literature in individuals affected with TRPM4-related conditions. ClinVar contains an entry for this variant (Variation ID: 2851222). An algorithm developed to predict the effect of missense changes on protein structure and function (PolyPhen-2) suggests that this variant is likely to be disruptive. In summary, the available evidence is currently insufficient to determine the role of this variant in disease. Therefore, it has been classified as a Variant of Uncertain Significance.